The following is an entry in ClinVar:

ClinVar aggregate classification (germline): Benign/Likely benign. Review status: criteria provided, multiple submitters, no conflicts (2 of 4 stars). 4 submissions from 4 submitters: Benign (1); Likely benign (3). Last evaluated 2025-10-24.

Conditions:
Junctional epidermolysis bullosa, non-Herlitz type. Also called: Adult junctional epidermolysis bullosa; COL17A1-Related Junctional Epidermolysis Bullosa; Epidermolysis bullosa, junctional, non-herlitz type, somatic mosaic revertant; EPIDERMOLYSIS BULLOSA, JUNCTIONAL 1A, INTERMEDIATE; EPIDERMOLYSIS BULLOSA JUNCTIONALIS, DISENTIS TYPE; EPIDERMOLYSIS BULLOSA JUNCTIONALIS, NON-HERLITZ TYPE. Identifiers: Orphanet 251393, Orphanet 79402, Orphanet 79405, Orphanet 89840, MedGen C0268374, MONDO:0009180, OMIM 226650.

Allele frequency attached by ClinVar (database versions not stated): gnomAD 0.00056 and 0.00074; TOPMed 0.00072; ESP Exome Variant Server 0.00077; gnomAD exomes 0.00102; ExAC 0.00119; 1000 Genomes Project 30x 0.00234; 1000 Genomes Project 0.00260.
gnomAD v4.1: 912 of 1,609,064 alleles (0.057%); highest among the groups gnomAD compares: South Asian, 0.57%; 6 homozygotes.

Submissions (4):

Labcorp Genetics (formerly Invitae), Labcorp
Classification: Benign. Last evaluated: 2025-10-24. Review status: criteria provided, single submitter. Criteria: Invitae Variant Classification Sherloc (09022015). Collection method: clinical testing. Allele origin: germline.

Blueprint Genetics
Classification: Likely benign. Last evaluated: 2024-11-13. Review status: criteria provided, single submitter. Criteria: ACMG Guidelines, 2015. Collection method: clinical testing. Allele origin: germline.

CeGaT Center for Human Genetics Tuebingen
Classification: Likely benign. Last evaluated: 2023-11-01. Review status: criteria provided, single submitter. Criteria: CeGaT Center For Human Genetics Tuebingen Variant Classification Criteria Version 2. Collection method: clinical testing. Allele origin: germline. Affected: yes. Observed: 1 variant allele.
Comment: COL17A1: BP4, BP7, BS2

Illumina Laboratory Services, Illumina
Classification: Likely benign for Junctional epidermolysis bullosa, non-Herlitz type. Last evaluated: 2018-01-12. Review status: criteria provided, single submitter. Criteria: ICSL Variant Classification Criteria 13 December 2019. Collection method: clinical testing. Allele origin: germline.
Comment: This variant was observed in the ICSL laboratory as part of a predisposition screen in an ostensibly healthy population. It had not been previously curated by ICSL or reported in the Human Gene Mutation Database (HGMD: prior to June 1st, 2018), and was therefore a candidate for classification through an automated scoring system. Utilizing variant allele frequency, disease prevalence and penetrance estimates, and inheritance mode, an automated score was calculated to assess if this variant is too frequent to cause the disease. Based on the score and internal cut-off values, a variant classified as likely benign is not then subjected to further curation. The score for this variant resulted in a classification of likely benign for this disease.

NM_000494.4(COL17A1):c.2715C>T (p.Ser905=)

Gene: COL17A1 (collagen type XVII alpha 1 chain; minus strand). Cytogenetic location: 10q25.1.
Variant type: single nucleotide variant.
Coding change: c.2715C>T on transcript NM_000494.4 (MANE Select); coding-DNA position 2715, C replaced by T.
Protein change: p.Ser905=; no amino-acid change (serine 905 retained).
Molecular consequence: synonymous variant.
Genome position (GRCh38, 1-based): chr10:104,040,397, G>A on the plus strand (C>T on the coding strand, the complement: COL17A1 is on the minus strand). VCF-style: chr10-104040397-G-A. GRCh37 (hg19) VCF-style: chr10-105800155-G-A.
Other names: c.2715C>T, p.Ser905= (LRG_1249t1).
Identifiers: ClinVar variation 298706 (VCV000298706.35), dbSNP rs139467442, ClinGen allele CA5678298.